The following is an entry in ClinVar:

NM_000059.4(BRCA2):c.6410dup (p.Asn2137fs)

Gene: BRCA2 (BRCA2 DNA repair associated; plus strand). Cytogenetic location: 13q13.1.
Variant type: Duplication.
Coding change: c.6410dup on transcript NM_000059.4 (MANE Select); coding-DNA position 6410, one base duplicated (A; older notation c.6410dupA).
Protein change: p.Asn2137fs; shifts the reading frame from asparagine 2137.
Molecular consequence: frameshift variant.
Genome position (GRCh38, 1-based): chr13:32,340,765, A duplicated; the last of 3 consecutive A bases (chr13:32,340,763-32,340,765); duplicating any one gives the same sequence. VCF-style (leftmost placement, unchanged base first): chr13-32340762-T-TA. GRCh37 (hg19) VCF-style: chr13-32914899-T-TA.
Other names: c.6410dupA (NM_000059.3); short protein forms N2137fs.
Identifiers: ClinVar variation 254581 (VCV000254581.3), dbSNP rs886038146, ClinGen allele CA10586557.

ClinVar aggregate classification (germline): Pathogenic. Review status: reviewed by expert panel (3 of 4 stars). 2 submissions from 2 submitters: Pathogenic (1). 1 of the submissions does not count toward it. Last evaluated 2016-09-08.

Conditions:
Hereditary cancer-predisposing syndrome. Also called: Tumor predisposition; Hereditary Cancer Syndrome; Neoplastic Syndromes, Hereditary; Hereditary neoplastic syndrome. Identifiers: Orphanet 140162, MedGen C0027672, MeSH D009386, MONDO:0015356.
Breast-ovarian cancer, familial, susceptibility to, 2 (BROVCA2). Also called: BRCA2 Hereditary Breast and Ovarian Cancer. Identifiers: Orphanet 145, MedGen C2675520, MONDO:0012933, OMIM 612555. Disease mechanism: loss of function.

Submissions (2):

Evidence-based Network for the Interpretation of Germline Mutant Alleles (ENIGMA)
Classification: Pathogenic for Breast-ovarian cancer, familial, susceptibility to, 2. Last evaluated: 2016-09-08. Review status: reviewed by expert panel. Criteria: ENIGMA BRCA1/2 Classification Criteria (2015). Collection method: curation. Allele origin: germline.
Comment: Variant allele predicted to encode a truncated non-functional protein.

Ambry Genetics
Classification: Pathogenic for Hereditary cancer-predisposing syndrome. Last evaluated: 2025-11-07. Review status: criteria provided, single submitter. Criteria: Ambry Variant Classification Scheme 2023. Collection method: clinical testing. Allele origin: germline. Not counted in ClinVar's aggregate classification.
Comment: The c.6410dupA pathogenic mutation, located in coding exon 10 of the BRCA2 gene, results from a duplication of A at nucleotide position 6410, causing a translational frameshift with a predicted alternate stop codon (p.N2137Kfs*3). This variant is considered to be rare based on population cohorts in the Genome Aggregation Database (gnomAD). This alteration is expected to result in loss of function by premature protein truncation or nonsense-mediated mRNA decay. As such, this alteration is interpreted as a disease-causing mutation.